The following is an entry in ClinVar:

NM_004006.3(DMD):c.5630A>T (p.His1877Leu)

Gene: DMD (dystrophin; minus strand). Cytogenetic location: Xp21.1.
Variant type: single nucleotide variant.
Coding change: c.5630A>T on transcript NM_004006.3 (MANE Select); coding-DNA position 5630, A replaced by T.
Protein change: p.His1877Leu; replaces histidine 1877 with leucine.
Molecular consequence: missense variant.
Genome position (GRCh38, 1-based): chrX:32,343,243, T>A on the plus strand (A>T on the coding strand, the complement: DMD is on the minus strand). VCF-style: chrX-32343243-T-A. GRCh37 (hg19) VCF-style: chrX-32361360-T-A.
Other names: c.5606A>T, p.His1869Leu (NM_000109.4); c.5618A>T, p.His1873Leu (NM_004009.3); c.5261A>T, p.His1754Leu (NM_004010.3); c.1607A>T, p.His536Leu (NM_004011.4); c.1598A>T, p.His533Leu (NM_004012.4); short protein forms H1877L, H533L, H536L, H1754L, H1873L, H1869L.
Identifiers: ClinVar variation 2079429 (VCV002079429.7), dbSNP rs796291308, ClinGen allele CA412666217.

ClinVar aggregate classification (germline): Uncertain significance. Review status: criteria provided, multiple submitters, no conflicts (2 of 4 stars). 3 submissions from 3 submitters: Uncertain significance (3). Last evaluated 2025-08-18.

Conditions:
Duchenne muscular dystrophy (DMD). Also called: Duchenne Muscular Dystrophy (DMD); MUSCULAR DYSTROPHY, PSEUDOHYPERTROPHIC PROGRESSIVE, DUCHENNE TYPE. Identifiers: Orphanet 98896, MedGen C0013264, MONDO:0010679, OMIM 310200.

Allele frequency attached by ClinVar (database versions not stated): TOPMed 0.00001.
gnomAD v4.1: 2 of 1,209,146 alleles (0.00017%); highest among the groups gnomAD compares: Non-Finnish European, 0.00022%; no homozygotes.

Submissions (3):

Labcorp Genetics (formerly Invitae), Labcorp
Classification: Uncertain significance for Duchenne muscular dystrophy. Last evaluated: 2025-08-18. Review status: criteria provided, single submitter. Criteria: Invitae Variant Classification Sherloc (09022015). Collection method: clinical testing. Allele origin: germline.
Comment: This sequence change replaces histidine, which is basic and polar, with leucine, which is neutral and non-polar, at codon 1877 of the DMD protein (p.His1877Leu). This variant is not present in population databases (gnomAD no frequency). This variant has not been reported in the literature in individuals affected with DMD-related conditions. ClinVar contains an entry for this variant (Variation ID: 2079429). Invitae Evidence Modeling of protein sequence and biophysical properties (such as structural, functional, and spatial information, amino acid conservation, physicochemical variation, residue mobility, and thermodynamic stability) indicates that this missense variant is not expected to disrupt DMD protein function with a negative predictive value of 95%. In summary, the available evidence is currently insufficient to determine the role of this variant in disease. Therefore, it has been classified as a Variant of Uncertain Significance.

Blueprint Genetics
Classification: Uncertain significance. Last evaluated: 2023-04-17. Review status: criteria provided, single submitter. Criteria: ACMG Guidelines, 2015. Collection method: clinical testing. Allele origin: germline.

Revvity Omics, Revvity
Classification: Uncertain significance. Last evaluated: 2022-11-23. Review status: criteria provided, single submitter. Criteria: ACMG Guidelines, 2015. Collection method: clinical testing. Allele origin: germline.